The following is an entry in ClinVar:

ClinVar aggregate classification (germline): Conflicting classifications of pathogenicity. Review status: criteria provided, conflicting classifications (1 of 4 stars). 5 submissions from 5 submitters: Uncertain significance (1); Likely benign (3). 1 of the submissions does not count toward it. Last evaluated 2026-01-25.

Conditions:
BBS9-related disorder. Also called: BBS9-related condition.
Bardet-Biedl syndrome (BBS). Identifiers: Orphanet 110, MedGen C0752166, MONDO:0015229.

Allele frequency attached by ClinVar (database versions not stated): 1000 Genomes Project 0.00020; 1000 Genomes Project 30x 0.00031; gnomAD 0.00060 and 0.00071; TOPMed 0.00076; ESP Exome Variant Server 0.00092.
gnomAD v4.1: 185 of 1,614,100 alleles (0.011%); highest among the groups gnomAD compares: African/African-American, 0.21%; 1 homozygote.

Submissions (5):

Labcorp Genetics (formerly Invitae), Labcorp
Classification: Likely benign for Bardet-Biedl syndrome. Last evaluated: 2026-01-25. Review status: criteria provided, single submitter. Criteria: Invitae Variant Classification Sherloc (09022015). Collection method: clinical testing. Allele origin: germline.

Blueprint Genetics
Classification: Likely benign. Last evaluated: 2024-09-18. Review status: criteria provided, single submitter. Criteria: ACMG Guidelines, 2015. Collection method: clinical testing. Allele origin: germline.

CeGaT Center for Human Genetics Tuebingen
Classification: Likely benign. Last evaluated: 2024-09-01. Review status: criteria provided, single submitter. Criteria: CeGaT Center For Human Genetics Tuebingen Variant Classification Criteria Version 2. Collection method: clinical testing. Allele origin: germline. Affected: yes. Observed: 1 variant allele.
Comment: BBS9: BP4, BP7

Eurofins Ntd Llc (ga)
Classification: Uncertain significance. Last evaluated: 2016-10-16. Review status: criteria provided, single submitter. Criteria: EGL Classification Definitions 2015. Collection method: clinical testing. Allele origin: germline. Observed: 1 variant allele, 1 heterozygote.

PreventionGenetics, part of Exact Sciences
Classification: Likely benign for BBS9-related condition. Last evaluated: 2019-03-06. Review status: no assertion criteria provided. Collection method: clinical testing. Allele origin: germline. Not counted in ClinVar's aggregate classification.
Comment: This variant is classified as likely benign based on ACMG/AMP sequence variant interpretation guidelines (Richards et al. 2015 PMID: 25741868, with internal and published modifications).

NM_198428.3(BBS9):c.2214C>T (p.Ile738=)

Gene: BBS9 (Bardet-Biedl syndrome 9; plus strand). Cytogenetic location: 7p14.3.
Variant type: single nucleotide variant.
Coding change: c.2214C>T on transcript NM_198428.3 (MANE Select); coding-DNA position 2214, C replaced by T.
Protein change: p.Ile738=; no amino-acid change (isoleucine 738 retained).
Molecular consequence: synonymous variant. On other transcripts: non-coding transcript variant (3), intron variant (1).
Genome position (GRCh38, 1-based): chr7:33,505,561, C>T. VCF-style: chr7-33505561-C-T. GRCh37 (hg19) VCF-style: chr7-33545173-C-T.
Other names: c.2109C>T, p.Ile703= (NM_001033604.2); c.2199C>T, p.Ile733= (NM_001033605.2); c.2214C>T, p.Ile738= (NM_001348036.1, NM_001348041.4, NM_001348043.3 and 1 more transcripts); c.1941C>T, p.Ile647= (NM_001348038.3); c.1836C>T, p.Ile612= (NM_001348039.3); c.2094C>T, p.Ile698= (NM_001348040.3, NM_014451.4); c.2079C>T, p.Ile693= (NM_001348042.3); c.1743C>T, p.Ile581= (NM_001348044.3); and 2 more.
Identifiers: ClinVar variation 497541 (VCV000497541.32), dbSNP rs148536971, ClinGen allele CA4214625.
Genomic context (GRCh38, chr7:33,505,561, plus strand): 5'-CAATCTGTTCCAGTCATTCACCAGGCTGAAGAGTGCCACCCATTTGGTGATTCTGCTGAT[C>T]GCGCTGTGGCAGAAGCTTAGTGCTGACCAGGTTGCTATTCTGGAAGCGGCATTTCTGCCG-3'
Protein context (NP_940820.1, residues 728-748): KSATHLVILL[Ile738=]ALWQKLSADQ